The following is an entry in ClinVar:

ClinVar aggregate classification (germline): Uncertain significance (1 of 4 stars; one submission).

Conditions:
Early-infantile DEE. Also called: Early infantile epileptic encephalopathy; Ohtahara syndrome; Early infantile epileptic encephalopathy with suppression bursts. Identifiers: Orphanet 1934, MedGen C0393706, MONDO:0800491.

Submission:

Labcorp Genetics (formerly Invitae), Labcorp
Classification: Uncertain significance for Early-infantile DEE. Last evaluated: 2022-04-25. Review status: criteria provided, single submitter. Criteria: Invitae Variant Classification Sherloc (09022015). Collection method: clinical testing. Allele origin: germline.
Comment: This sequence change replaces proline, which is neutral and non-polar, with serine, which is neutral and polar, at codon 243 of the ARHGEF15 protein (p.Pro243Ser). This variant is not present in population databases (gnomAD no frequency). In summary, the available evidence is currently insufficient to determine the role of this variant in disease. Therefore, it has been classified as a Variant of Uncertain Significance. Algorithms developed to predict the effect of missense changes on protein structure and function output the following: SIFT: "Deleterious"; PolyPhen-2: "Benign"; Align-GVGD: "Class C0". The serine amino acid residue is found in multiple mammalian species, which suggests that this missense change does not adversely affect protein function. This variant has not been reported in the literature in individuals affected with ARHGEF15-related conditions.

NM_173728.4(ARHGEF15):c.727C>T (p.Pro243Ser)

Gene: ARHGEF15 (Rho guanine nucleotide exchange factor 15; plus strand). Cytogenetic location: 17p13.1.
Variant type: single nucleotide variant.
Coding change: c.727C>T on transcript NM_173728.4 (MANE Select); coding-DNA position 727, C replaced by T.
Protein change: p.Pro243Ser; replaces proline 243 with serine.
Molecular consequence: missense variant.
Genome position (GRCh38, 1-based): chr17:8,313,047, C>T. VCF-style: chr17-8313047-C-T. GRCh37 (hg19) VCF-style: chr17-8216365-C-T.
Other names: c.727C>T, p.Pro243Ser (NM_025014.2); short protein forms P243S.
Identifiers: ClinVar variation 2130595 (VCV002130595.4), dbSNP rs2543929545, ClinGen allele CA398015909.